The following is an entry in ClinVar:

ClinVar aggregate classification (germline): Pathogenic (1 of 4 stars; one submission).

Conditions:
Autosomal recessive nonsyndromic hearing loss 49. Also called: Deafness, neurosensory, autosomal recessive 49. Identifiers: Orphanet 90636, MedGen C1857811, MONDO:0012420, OMIM 610153.

Submission:

Institute of Rare Diseases, West China Hospital, Sichuan University
Classification: Pathogenic for Autosomal recessive nonsyndromic hearing loss 49. Last evaluated: 2025-01-09. Review status: criteria provided, single submitter. Criteria: ClinGen HL ACMG Specifications v1. Collection method: research. Allele origin: germline. Affected: yes.
Comment: PVS1;PM3_Supporting;PM2_Supporting

NM_001038603.3(MARVELD2):c.1332-1del

Gene: MARVELD2 (MARVEL domain containing 2; plus strand). Cytogenetic location: 5q13.2.
Variant type: Deletion.
Coding change: c.1332-1del on transcript NM_001038603.3 (MANE Select); the canonical splice acceptor site of the intron before coding-DNA position 1332, one base deleted (G; older notation c.1332-1delG).
Molecular consequence: splice acceptor variant.
Genome position (GRCh38, 1-based): chr5:69,432,921, G deleted. VCF-style (leftmost placement, unchanged base first): chr5-69432920-AG-A. GRCh37 (hg19) VCF-style: chr5-68728747-AG-A.
Other names: c.1296-1del (NM_001244734.2).
Identifiers: ClinVar variation 3601227 (VCV003601227.1).
Genomic context (GRCh38, chr5:69,432,920, plus strand): 5'-GATTTCCCATTCAGCTTCTTTTAGTGAAACAATTATATCTTTGGCTTATGTTTTTCCCCT[AG>A]AAAATACCCTGTGATTCAGACAGATGATGAGCGAGAACGCTATAAAGCTGTGTTCCAAGA-3'